The following is an entry in ClinVar:

NM_000528.4(MAN2B1):c.252C>A (p.Tyr84Ter)

Gene: MAN2B1 (mannosidase alpha class 2B member 1; minus strand). Cytogenetic location: 19p13.13.
Variant type: single nucleotide variant.
Coding change: c.252C>A on transcript NM_000528.4 (MANE Select); coding-DNA position 252, C replaced by A.
Protein change: p.Tyr84Ter; replaces tyrosine 84 with a stop codon.
Molecular consequence: nonsense.
Genome position (GRCh38, 1-based): chr19:12,665,713, G>T on the plus strand (C>A on the coding strand, the complement: MAN2B1 is on the minus strand). VCF-style: chr19-12665713-G-T. GRCh37 (hg19) VCF-style: chr19-12776527-G-T.
Other names: c.252C>A, p.Tyr84Ter (NM_001173498.2); short protein forms Y84*.
Identifiers: ClinVar variation 2815176 (VCV002815176.4), dbSNP rs2024217585, ClinGen allele CA404257882.

ClinVar aggregate classification (germline): Pathogenic. Review status: criteria provided, multiple submitters, no conflicts (2 of 4 stars). 2 submissions from 2 submitters: Pathogenic (2). Last evaluated 2025-02-11.

Conditions:
Deficiency of alpha-mannosidase (MANSA). Also called: LYSOSOMAL ALPHA-D-MANNOSIDASE DEFICIENCY; Mannosidosis, alpha-, types I and II; Alpha-Mannosidosis. Identifiers: Orphanet 61, MedGen C0024748, MONDO:0009561, OMIM 248500.

Allele frequency attached by ClinVar (database versions not stated): gnomAD exomes below 0.00001.
gnomAD v4.1: 2 of 1,614,048 alleles (0.00012%); highest among the groups gnomAD compares: African/African-American, 0.0013%; no homozygotes.

Submissions (2):

Myriad Genetics, Inc.
Classification: Pathogenic for Deficiency of alpha-mannosidase. Last evaluated: 2025-02-11. Review status: criteria provided, single submitter. Criteria: Myriad Autosomal Dominant, Autosomal Recessive and X-Linked Classification Criteria (2023). Collection method: clinical testing. Allele origin: unknown.
Comment: NM_000528.3(MAN2B1):c.252C>A(Y84*) is expected to be pathogenic in the context of alpha-mannosidosis. This variant is predicted to lead to an abnormal or absent protein product due to the creation of a premature termination codon in MAN2B1, a gene where loss-of-function variants are known to be pathogenic. Please note: this variant was assessed in the context of healthy population screening.

Labcorp Genetics (formerly Invitae), Labcorp
Classification: Pathogenic for Deficiency of alpha-mannosidase. Last evaluated: 2024-01-26. Review status: criteria provided, single submitter. Criteria: Invitae Variant Classification Sherloc (09022015). Collection method: clinical testing. Allele origin: germline.
Comment: This sequence change creates a premature translational stop signal (p.Tyr84*) in the MAN2B1 gene. It is expected to result in an absent or disrupted protein product. Loss-of-function variants in MAN2B1 are known to be pathogenic (PMID: 9915946, 22161967). This variant is not present in population databases (gnomAD no frequency). This variant has not been reported in the literature in individuals affected with MAN2B1-related conditions. Algorithms developed to predict the effect of sequence changes on RNA splicing suggest that this variant may disrupt the consensus splice site. For these reasons, this variant has been classified as Pathogenic.

Literature cited by the submitters: PubMed 9915946 (cited by Labcorp Genetics (formerly Invitae), Labcorp); PubMed 22161967 (cited by Labcorp Genetics (formerly Invitae), Labcorp).